The following is an entry in ClinVar:

NM_023110.3(FGFR1):c.1889T>G (p.Leu630Arg)

Gene: FGFR1 (fibroblast growth factor receptor 1; minus strand). Cytogenetic location: 8p11.23.
Variant type: single nucleotide variant.
Coding change: c.1889T>G on transcript NM_023110.3 (MANE Select); coding-DNA position 1889, T replaced by G.
Protein change: p.Leu630Arg; replaces leucine 630 with arginine.
Molecular consequence: missense variant.
Genome position (GRCh38, 1-based): chr8:38,414,867, A>C on the plus strand (T>G on the coding strand, the complement: FGFR1 is on the minus strand). VCF-style: chr8-38414867-A-C. GRCh37 (hg19) VCF-style: chr8-38272385-A-C.
Other names: c.1883T>G, p.Leu628Arg (NM_001174063.2, NM_001174065.2, NM_001354367.2 and 1 more transcripts); c.1859T>G, p.Leu620Arg (NM_001174064.2); c.1622T>G, p.Leu541Arg (NM_001174066.2, NM_023105.3); c.1982T>G, p.Leu661Arg (NM_001174067.2); c.1610T>G, p.Leu537Arg (NM_001354368.2); c.1877T>G, p.Leu626Arg (NM_001354369.2, NM_001410922.1); c.1616T>G, p.Leu539Arg (NM_001354370.2, NM_023106.3); short protein forms L537R, L539R, L541R, L620R, L626R, L628R, L630R, L661R.
Identifiers: ClinVar variation 4813745 (VCV004813745.1).

ClinVar aggregate classification (germline): Likely pathogenic (1 of 4 stars; one submission).

Conditions:
Autosomal recessive FGFR1-related disorders.

Submission:

Variantyx, Inc.
Classification: Likely pathogenic for Autosomal recessive FGFR1-related disorders. Last evaluated: 2025-09-17. Review status: criteria provided, single submitter. Criteria: Variantyx Assertion Criteria 2022. Collection method: clinical testing. Allele origin: germline. Inheritance: Autosomal recessive inheritance. Affected: yes.
Comment: This is a nonsynonymous variant in the FGFR1 gene (OMIM: 136350). Pathogenic variants in this gene have been associated with autosomal dominant FGFR1-related disorders (PMID: 7881412, 7874169, 10425034). Multiple computational algorithms predict a deleterious effect for this variant (REVEL score: 0.978) (PP3). This variant is absent from control populations (PM2) and has not been reported in individuals with FGFR1-related disorders in the databases available for review. Based on the current evidence, this variant is classified as likely pathogenic for autosomal dominant FGFR1-related disorders.

Literature cited by the submitters: PubMed 7881412; PubMed 7874169; PubMed 10425034.